The following is an entry in ClinVar:

ClinVar aggregate classification (germline): Uncertain significance (1 of 4 stars; one submission).

Conditions:
Hereditary cancer-predisposing syndrome. Also called: Hereditary Cancer Syndrome; Tumor predisposition; Hereditary neoplastic syndrome; Neoplastic Syndromes, Hereditary. Identifiers: Orphanet 140162, MedGen C0027672, MeSH D009386, MONDO:0015356.

Submission:

Ambry Genetics
Classification: Uncertain significance for Hereditary cancer-predisposing syndrome. Last evaluated: 2024-11-09. Review status: criteria provided, single submitter. Criteria: Ambry Variant Classification Scheme 2023. Collection method: clinical testing. Allele origin: germline.
Comment: The c.-3A>G variant is located in the 5' untranslated region (5&rsquo; UTR) of the MET gene. This variant results from an A to G substitution 3 bases upstream from the first translated codon. Based on the available evidence, the clinical significance of this variant remains unclear.

NM_000245.4(MET):c.-3A>G

Gene: MET (MET proto-oncogene, receptor tyrosine kinase; plus strand). Cytogenetic location: 7q31.2.
Variant type: single nucleotide variant.
Coding change: c.-3A>G on transcript NM_000245.4 (MANE Select); 3 bases upstream of the start codon, A replaced by G.
Molecular consequence: 5 prime UTR variant. On other transcripts: intron variant (1).
Genome position (GRCh38, 1-based): chr7:116,699,082, A>G. VCF-style: chr7-116699082-A-G. GRCh37 (hg19) VCF-style: chr7-116339136-A-G.
Other names: c.-3A>G (NM_001127500.3, NM_001324401.3); c.-91+26505A>G (NM_001324402.2).
Identifiers: ClinVar variation 3395082 (VCV003395082.1).
Genomic context (GRCh38, chr7:116,699,082, plus strand): 5'-CTTCATTTCTGACAACTGAACTGCTCTCGCCTTGAACCTGTTTTGGCAGATAAACCTCTC[A>G]TAATGAAGGCCCCCGCTGTGCTTGCACCTGGCATCCTCGTGCTCCTGTTTACCTTGGTGC-3'